The following is an entry in ClinVar:

ClinVar aggregate classification (germline): Uncertain significance (1 of 4 stars; one submission).

Conditions:
PSTPIP1-related disorder. Also called: PSTPIP1-related condition.

gnomAD v4.1: 3 of 1,610,068 alleles (0.00019%); highest among the groups gnomAD compares: Non-Finnish European, 0.00025%; no homozygotes.

Submission:

PreventionGenetics, part of Exact Sciences
Classification: Uncertain significance for PSTPIP1-related condition. Last evaluated: 2026-03-06. Review status: criteria provided, single submitter. Criteria: ACMG Guidelines, 2015. Collection method: clinical testing. Allele origin: germline.
Comment: The PSTPIP1 c.115G>A variant is predicted to result in the amino acid substitution p.Gly39Arg. To our knowledge, this variant has not been reported in the literature or in a large population database (gnomAD), indicating this variant is rare. At this time, the clinical significance of this variant is uncertain due to the absence of conclusive functional and genetic evidence.

NM_003978.5(PSTPIP1):c.-81G>A

Gene: PSTPIP1 (proline-serine-threonine phosphatase interacting protein 1; plus strand). Cytogenetic location: 15q24.3.
Variant type: single nucleotide variant.
Coding change: c.-81G>A on transcript NM_003978.5 (MANE Select); 81 bases upstream of the start codon, G replaced by A.
Molecular consequence: 5 prime UTR variant. On other transcripts: missense variant (1), non-coding transcript variant (1).
Genome position (GRCh38, 1-based): chr15:76,995,493, G>A. VCF-style: chr15-76995493-G-A. GRCh37 (hg19) VCF-style: chr15-77287834-G-A.
Other names: c.-81G>A (NM_001321135.2, NM_001411086.1); c.-327G>A (NM_001321136.2); c.115G>A, p.Gly39Arg (NM_001321137.1); short protein forms G39R.
Identifiers: ClinVar variation 4998483 (VCV004998483.1).